The following is an entry in ClinVar:

ClinVar aggregate classification (germline): Likely benign (1 of 4 stars; one submission).

Allele frequency attached by ClinVar (database versions not stated): gnomAD 0.00002; TOPMed 0.00002; ExAC 0.00003; gnomAD exomes 0.00007; 1000 Genomes Project 0.00020; 1000 Genomes Project 30x 0.00031.
gnomAD v4.1: 107 of 1,610,072 alleles (0.0066%); highest among the groups gnomAD compares: Non-Finnish European, 0.0084%; no homozygotes.

Submission:

CeGaT Center for Human Genetics Tuebingen
Classification: Likely benign. Last evaluated: 2022-05-01. Review status: criteria provided, single submitter. Criteria: CeGaT Center For Human Genetics Tuebingen Variant Classification Criteria Version 2. Collection method: clinical testing. Allele origin: germline. Affected: yes. Observed: 1 variant allele.
Comment: PANK4: BP4, BP7

NM_018216.4(PANK4):c.2205C>T (p.His735=)

Gene: PANK4 (pantothenate kinase 4 (inactive); minus strand). Cytogenetic location: 1p36.32.
Variant type: single nucleotide variant.
Coding change: c.2205C>T on transcript NM_018216.4 (MANE Select); coding-DNA position 2205, C replaced by T.
Protein change: p.His735=; no amino-acid change (histidine 735 retained).
Molecular consequence: synonymous variant.
Genome position (GRCh38, 1-based): chr1:2,508,964, G>A on the plus strand (C>T on the coding strand, the complement: PANK4 is on the minus strand). VCF-style: chr1-2508964-G-A. GRCh37 (hg19) VCF-style: chr1-2440403-G-A.
Identifiers: ClinVar variation 2638085 (VCV002638085.24), dbSNP rs528581753, ClinGen allele CA539926.